The following is an entry in ClinVar:

ClinVar aggregate classification (germline): Uncertain significance. Review status: criteria provided, multiple submitters, no conflicts (2 of 4 stars). 2 submissions from 2 submitters: Uncertain significance (2). Last evaluated 2025-01-04.

Conditions:
Inborn genetic diseases. Identifiers: MedGen C0950123, MeSH D030342.

Allele frequency attached by ClinVar (database versions not stated): gnomAD exomes below 0.00001 and 0.00001; gnomAD 0.00001 and 0.00002; ExAC 0.00003; 1000 Genomes Project 30x 0.00016; 1000 Genomes Project 0.00040.

Submissions (2):

Ambry Genetics
Classification: Uncertain significance for Inborn genetic diseases. Last evaluated: 2025-01-04. Review status: criteria provided, single submitter. Criteria: Ambry Variant Classification Scheme 2023. Collection method: clinical testing. Allele origin: germline.

Labcorp Genetics (formerly Invitae), Labcorp
Classification: Uncertain significance. Last evaluated: 2021-08-02. Review status: criteria provided, single submitter. Criteria: Invitae Variant Classification Sherloc (09022015). Collection method: clinical testing. Allele origin: germline.
Comment: This sequence change replaces arginine with glutamine at codon 655 of the SLC24A1 protein (p.Arg655Gln). The arginine residue is highly conserved and there is a small physicochemical difference between arginine and glutamine. This variant is present in population databases (rs201960929, ExAC 0.03%). In summary, the available evidence is currently insufficient to determine the role of this variant in disease. Therefore, it has been classified as a Variant of Uncertain Significance. Algorithms developed to predict the effect of missense changes on protein structure and function output the following: SIFT: "Tolerated"; PolyPhen-2: "Benign"; Align-GVGD: "Class C0". The glutamine amino acid residue is found in multiple mammalian species, which suggests that this missense change does not adversely affect protein function. This variant has not been reported in the literature in individuals affected with SLC24A1-related conditions.

NM_004727.3(SLC24A1):c.1964G>A (p.Arg655Gln)

Gene: SLC24A1 (solute carrier family 24 member 1; plus strand). Cytogenetic location: 15q22.31.
Variant type: single nucleotide variant.
Coding change: c.1964G>A on transcript NM_004727.3 (MANE Select); coding-DNA position 1964, G replaced by A.
Protein change: p.Arg655Gln; replaces arginine 655 with glutamine.
Molecular consequence: missense variant.
Genome position (GRCh38, 1-based): chr15:65,639,614, G>A. VCF-style: chr15-65639614-G-A. GRCh37 (hg19) VCF-style: chr15-65931952-G-A.
Other names: c.1964G>A, p.Arg655Gln (NM_001301031.1); c.1910G>A, p.Arg637Gln (NM_001301032.1, NM_001301033.2); c.1964G>A (NM_004727.2); short protein forms R637Q, R655Q.
Identifiers: ClinVar variation 1468691 (VCV001468691.6), dbSNP rs201960929, ClinGen allele CA7620047.